The following is an entry in ClinVar:

ClinVar aggregate classification (germline): Uncertain significance. Review status: criteria provided, multiple submitters, no conflicts (2 of 4 stars). 2 submissions from 2 submitters: Uncertain significance (2). Last evaluated 2025-05-16.

Conditions:
Inborn genetic diseases. Identifiers: MedGen C0950123, MeSH D030342.

gnomAD v4.1: 10 of 1,614,130 alleles (0.00062%); highest among the groups gnomAD compares: Admixed American, 0.0017%; no homozygotes.

Submissions (2):

Ambry Genetics
Classification: Uncertain significance for Inborn genetic diseases. Last evaluated: 2025-05-16. Review status: criteria provided, single submitter. Criteria: Ambry Variant Classification Scheme 2023. Collection method: clinical testing. Allele origin: germline.

Labcorp Genetics (formerly Invitae), Labcorp
Classification: Uncertain significance. Last evaluated: 2024-06-03. Review status: criteria provided, single submitter. Criteria: Invitae Variant Classification Sherloc (09022015). Collection method: clinical testing. Allele origin: germline.
Comment: This sequence change replaces threonine, which is neutral and polar, with isoleucine, which is neutral and non-polar, at codon 3498 of the KMT2C protein (p.Thr3498Ile). This variant is present in population databases (rs769597625, gnomAD 0.0009%). This variant has not been reported in the literature in individuals affected with KMT2C-related conditions. Advanced modeling of protein sequence and biophysical properties (such as structural, functional, and spatial information, amino acid conservation, physicochemical variation, residue mobility, and thermodynamic stability) performed at Invitae indicates that this missense variant is not expected to disrupt KMT2C protein function with a negative predictive value of 80%. In summary, the available evidence is currently insufficient to determine the role of this variant in disease. Therefore, it has been classified as a Variant of Uncertain Significance.

NM_170606.3(KMT2C):c.10493C>T (p.Thr3498Ile)

Gene: KMT2C (lysine methyltransferase 2C; minus strand). Cytogenetic location: 7q36.1.
Variant type: single nucleotide variant.
Coding change: c.10493C>T on transcript NM_170606.3 (MANE Select); coding-DNA position 10493, C replaced by T.
Protein change: p.Thr3498Ile; replaces threonine 3498 with isoleucine.
Molecular consequence: missense variant.
Genome position (GRCh38, 1-based): chr7:152,163,084, G>A on the plus strand (C>T on the coding strand, the complement: KMT2C is on the minus strand). VCF-style: chr7-152163084-G-A. GRCh37 (hg19) VCF-style: chr7-151860169-G-A.
Other names: c.10493C>T (NM_170606.2); short protein forms T3498I.
Identifiers: ClinVar variation 3678834 (VCV003678834.3).